The following is an entry in ClinVar:

ClinVar aggregate classification (germline): Uncertain significance (1 of 4 stars; one submission).

Submission:

GeneDx
Classification: Uncertain significance. Last evaluated: 2023-12-22. Review status: criteria provided, single submitter. Criteria: GeneDx Variant Classification Process June 2021. Collection method: clinical testing. Allele origin: germline. Affected: yes.
Comment: Not observed at significant frequency in large population cohorts (gnomAD); In silico analysis supports that this variant does not alter splicing; Has not been previously published as pathogenic or benign to our knowledge

NM_032043.3(BRIP1):c.166T>C (p.Leu56=)

Gene: BRIP1 (BRCA1 interacting DNA helicase 1; minus strand). Cytogenetic location: 17q23.2.
Variant type: single nucleotide variant.
Coding change: c.166T>C on transcript NM_032043.3 (MANE Select); coding-DNA position 166, T replaced by C.
Protein change: p.Leu56=; no amino-acid change (leucine 56 retained).
Molecular consequence: synonymous variant.
Genome position (GRCh38, 1-based): chr17:61,859,835, A>G on the plus strand (T>C on the coding strand, the complement: BRIP1 is on the minus strand). VCF-style: chr17-61859835-A-G. GRCh37 (hg19) VCF-style: chr17-59937196-A-G.
Identifiers: ClinVar variation 3370182 (VCV003370182.1).
Genomic context (GRCh38, chr17:61,859,835, plus strand): 5'-AGATATCAAGCAACTACTTACCACTAAGAGATTGTTGCCATGCTAAAGCAGAACAAAGTA[A>G]GGCTAAGCTTTTTCCACTTCCTGTGGGACTCTCCAACAAACAATGTTGCTTGCTGTTTAA-3'
Protein context (NP_114432.2, residues 46-66): SPTGSGKSLA[Leu56=]LCSALAWQQS